The following is an entry in ClinVar:

ClinVar aggregate classification (germline): Uncertain significance. Review status: criteria provided, multiple submitters, no conflicts (2 of 4 stars). 2 submissions from 2 submitters: Uncertain significance (2). Last evaluated 2025-03-09.

Conditions:
Inborn genetic diseases. Identifiers: MedGen C0950123, MeSH D030342.

Submissions (2):

Ambry Genetics
Classification: Uncertain significance for Inborn genetic diseases. Last evaluated: 2025-03-09. Review status: criteria provided, single submitter. Criteria: Ambry Variant Classification Scheme 2023. Collection method: clinical testing. Allele origin: germline.
Comment: The p.A253S variant (also known as c.757G>T), located in coding exon 3 of the LTBP3 gene, results from a G to T substitution at nucleotide position 757. The alanine at codon 253 is replaced by serine, an amino acid with similar properties. This amino acid position is conserved. In addition, this alteration is predicted to be tolerated by in silico analysis. Based on the available evidence, the clinical significance of this variant remains unclear.

Mayo Clinic Laboratories, Mayo Clinic
Classification: Uncertain significance. Last evaluated: 2023-10-31. Review status: criteria provided, single submitter. Criteria: ACMG Guidelines, 2015. Collection method: clinical testing. Allele origin: germline. Observed: 1 variant allele.
Comment: BP4

NM_001130144.3(LTBP3):c.757G>T (p.Ala253Ser)

Gene: LTBP3 (latent transforming growth factor beta binding protein 3; minus strand). Cytogenetic location: 11q13.1.
Variant type: single nucleotide variant.
Coding change: c.757G>T on transcript NM_001130144.3 (MANE Select); coding-DNA position 757, G replaced by T.
Protein change: p.Ala253Ser; replaces alanine 253 with serine.
Molecular consequence: missense variant.
Genome position (GRCh38, 1-based): chr11:65,553,808, C>A on the plus strand (G>T on the coding strand, the complement: LTBP3 is on the minus strand). VCF-style: chr11-65553808-C-A. GRCh37 (hg19) VCF-style: chr11-65321279-C-A.
Other names: p.Ala253Ser; c.406G>T, p.Ala136Ser (NM_001164266.1); c.757G>T, p.Ala253Ser (NM_021070.4); short protein forms A136S, A253S.
Identifiers: ClinVar variation 3380027 (VCV003380027.2).